The following is an entry in ClinVar:

NM_016284.5(CNOT1):c.2975T>C (p.Ile992Thr)

Gene: CNOT1 (CCR4-NOT transcription complex subunit 1; minus strand). Cytogenetic location: 16q21.
Variant type: single nucleotide variant.
Coding change: c.2975T>C on transcript NM_016284.5 (MANE Select); coding-DNA position 2975, T replaced by C.
Protein change: p.Ile992Thr; replaces isoleucine 992 with threonine.
Molecular consequence: missense variant. On other transcripts: non-coding transcript variant (1).
Genome position (GRCh38, 1-based): chr16:58,551,815, A>G on the plus strand (T>C on the coding strand, the complement: CNOT1 is on the minus strand). VCF-style: chr16-58551815-A-G. GRCh37 (hg19) VCF-style: chr16-58585719-A-G.
Other names: c.2960T>C, p.Ile987Thr (NM_001265612.2); c.2975T>C, p.Ile992Thr (NM_206999.3); short protein forms I987T, I992T.
Identifiers: ClinVar variation 1526314 (VCV001526314.3), dbSNP rs766922477, ClinGen allele CA8089527.

ClinVar aggregate classification (germline): Uncertain significance (1 of 4 stars; one submission).

Allele frequency attached by ClinVar (database versions not stated): TOPMed below 0.00001; ExAC 0.00001.

Submission:

GeneDx
Classification: Uncertain significance. Last evaluated: 2025-01-31. Review status: criteria provided, single submitter. Criteria: GeneDx Variant Classification Process June 2021. Collection method: clinical testing. Allele origin: germline. Affected: yes.
Comment: Not observed at significant frequency in large population cohorts (gnomAD); In silico analysis supports that this missense variant has a deleterious effect on protein structure/function; Has not been previously published as pathogenic or benign to our knowledge